The following is an entry in ClinVar:

ClinVar aggregate classification (germline): Uncertain significance (1 of 4 stars; one submission).

Conditions:
Bethlem myopathy 1B (BTHLM1B). Identifiers: MedGen C5935580, MONDO:0958233, OMIM 620725.

Submission:

3billion
Classification: Uncertain significance for Bethlem myopathy 1B. Last evaluated: 2024-11-27. Review status: criteria provided, single submitter. Criteria: ACMG Guidelines, 2015. Collection method: clinical testing. Allele origin: germline. Affected: yes.
Comment: The variant is not observed in the gnomAD v4.1.0 dataset. Predicted Consequence/Location: Missense variant In silico tool predictions suggest damaging effect of the variant on gene or gene product [REVEL: 0.93 (>=0.6, sensitivity 0.68 and specificity 0.92); 3Cnet: 0.97 (>=0.6, sensitivity 0.72 and precision 0.9)]. Therefore, this variant is classified as VUS according to the recommendation of ACMG/AMP guideline.

NM_001849.4(COL6A2):c.1001G>A (p.Gly334Asp)

Gene: COL6A2 (collagen type VI alpha 2 chain; plus strand). Cytogenetic location: 21q22.3.
Variant type: single nucleotide variant.
Coding change: c.1001G>A on transcript NM_001849.4 (MANE Select); coding-DNA position 1001, G replaced by A.
Protein change: p.Gly334Asp; replaces glycine 334 with aspartic acid.
Molecular consequence: missense variant.
Genome position (GRCh38, 1-based): chr21:46,117,401, G>A. VCF-style: chr21-46117401-G-A. GRCh37 (hg19) VCF-style: chr21-47537315-G-A.
Other names: c.1001G>A, p.Gly334Asp (NM_058174.3, NM_058175.3); short protein forms G334D.
Identifiers: ClinVar variation 4293351 (VCV004293351.1).